The following is an entry in ClinVar:

NM_001365951.3(KIF1B):c.4408G>A (p.Ala1470Thr)

Gene: KIF1B (kinesin family member 1B; plus strand). Cytogenetic location: 1p36.22.
Variant type: single nucleotide variant.
Coding change: c.4408G>A on transcript NM_001365951.3 (MANE Select); coding-DNA position 4408, G replaced by A.
Protein change: p.Ala1470Thr; replaces alanine 1470 with threonine.
Molecular consequence: missense variant.
Genome position (GRCh38, 1-based): chr1:10,365,141, G>A. VCF-style: chr1-10365141-G-A. GRCh37 (hg19) VCF-style: chr1-10425199-G-A.
Other names: c.4408G>A, p.Ala1470Thr (NM_001365952.1); c.4270G>A, p.Ala1424Thr (NM_015074.3); short protein forms A1424T, A1470T.
Identifiers: ClinVar variation 1739262 (VCV001739262.3), dbSNP rs2521911170, ClinGen allele CA338320325.

ClinVar aggregate classification (germline): Uncertain significance (1 of 4 stars; one submission).

Submission:

Ambry Genetics
Classification: Uncertain significance. Last evaluated: 2025-05-11. Review status: criteria provided, single submitter. Criteria: Ambry Variant Classification Scheme 2023. Collection method: clinical testing. Allele origin: germline.
Comment: The p.A1424T variant (also known as c.4270G>A), located in coding exon 39 of the KIF1B gene, results from a G to A substitution at nucleotide position 4270. The alanine at codon 1424 is replaced by threonine, an amino acid with similar properties. This amino acid position is highly conserved in available vertebrate species. In addition, the in silico prediction for this alteration is inconclusive. Since supporting evidence is limited at this time, the clinical significance of this alteration remains unclear.